The following is an entry in ClinVar:

NM_000321.3(RB1):c.1876G>A (p.Ala626Thr)

Gene: RB1 (RB transcriptional corepressor 1; plus strand). Cytogenetic location: 13q14.2.
Variant type: single nucleotide variant.
Coding change: c.1876G>A on transcript NM_000321.3 (MANE Select); coding-DNA position 1876, G replaced by A.
Protein change: p.Ala626Thr; replaces alanine 626 with threonine.
Molecular consequence: missense variant.
Genome position (GRCh38, 1-based): chr13:48,456,265, G>A. VCF-style: chr13-48456265-G-A. GRCh37 (hg19) VCF-style: chr13-49030401-G-A.
Other names: short protein forms A626T.
Identifiers: ClinVar variation 704739 (VCV000704739.14), dbSNP rs747147942, ClinGen allele CA032954.

ClinVar aggregate classification (germline): Benign/Likely benign. Review status: criteria provided, multiple submitters, no conflicts (2 of 4 stars). 4 submissions from 4 submitters: Benign (3); Likely benign (1). Last evaluated 2026-01-06.

Conditions:
Hereditary cancer-predisposing syndrome. Also called: Neoplastic Syndromes, Hereditary; Tumor predisposition; Hereditary Cancer Syndrome; Hereditary neoplastic syndrome. Identifiers: Orphanet 140162, MedGen C0027672, MeSH D009386, MONDO:0015356.
Retinoblastoma (RB1). Also called: RETINOBLASTOMA, SOMATIC. Identifiers: Orphanet 790, MedGen C0035335, MeSH D012175, MONDO:0008380, OMIM 180200, HP:0009919. Disease mechanism: loss of function. Inheritance: Both sporadic and heritable forms are tested..
RB1-related disorder. Also called: RB1-related condition.

Allele frequency attached by ClinVar (database versions not stated): gnomAD 0.00001; TOPMed 0.00002; gnomAD exomes 0.00003 and 0.00006; ExAC 0.00004.
gnomAD v4.1: 19 of 1,614,020 alleles (0.0012%); highest among the groups gnomAD compares: Admixed American, 0.032%; no homozygotes.

Submissions (4):

PreventionGenetics, part of Exact Sciences
Classification: Benign for RB1-related condition. Last evaluated: 2026-01-06. Review status: criteria provided, single submitter. Criteria: ACMG Guidelines, 2015. Collection method: clinical testing. Allele origin: germline.
Comment: This variant is classified as benign based on ACMG/AMP sequence variant interpretation guidelines (Richards et al. 2015 PMID: 25741868, with internal and published modifications).

Labcorp Genetics (formerly Invitae), Labcorp
Classification: Benign for Retinoblastoma. Last evaluated: 2026-01-05. Review status: criteria provided, single submitter. Criteria: Invitae Variant Classification Sherloc (09022015). Collection method: clinical testing. Allele origin: germline.

Color Diagnostics, LLC DBA Color Health
Classification: Likely benign for Retinoblastoma. Last evaluated: 2022-05-02. Review status: criteria provided, single submitter. Criteria: ACMG Guidelines, 2015. Collection method: clinical testing. Allele origin: germline.

Ambry Genetics
Classification: Benign for Hereditary cancer-predisposing syndrome. Last evaluated: 2022-04-20. Review status: criteria provided, single submitter. Criteria: Ambry Variant Classification Scheme 2023. Collection method: clinical testing. Allele origin: germline.